The following is an entry in ClinVar:

NM_031885.5(BBS2):c.407C>G (p.Ala136Gly)

Gene: BBS2 (Bardet-Biedl syndrome 2; minus strand). Cytogenetic location: 16q13.
Variant type: single nucleotide variant.
Coding change: c.407C>G on transcript NM_031885.5 (MANE Select); coding-DNA position 407, C replaced by G.
Protein change: p.Ala136Gly; replaces alanine 136 with glycine.
Molecular consequence: missense variant. On other transcripts: non-coding transcript variant (5).
Genome position (GRCh38, 1-based): chr16:56,511,223, G>C on the plus strand (C>G on the coding strand, the complement: BBS2 is on the minus strand). VCF-style: chr16-56511223-G-C. GRCh37 (hg19) VCF-style: chr16-56545135-G-C.
Other names: c.407C>G (NM_031885.3); c.407C>G, p.Ala136Gly (NM_001377456.1); short protein forms A136G.
Identifiers: ClinVar variation 1465990 (VCV001465990.7), dbSNP rs373166163, ClinGen allele CA8066058.

ClinVar aggregate classification (germline): Uncertain significance. Review status: criteria provided, multiple submitters, no conflicts (2 of 4 stars). 3 submissions from 3 submitters: Uncertain significance (3). Last evaluated 2025-05-21.

Conditions:
BBS2-related disorder. Also called: BBS2-related condition; BBS2-related disorders. Identifiers: MedGen CN239228.
Bardet-Biedl syndrome (BBS). Identifiers: Orphanet 110, MedGen C0752166, MONDO:0015229.

gnomAD v4.1: 8 of 1,613,850 alleles (0.0005%); highest among the groups gnomAD compares: Admixed American, 0.0017%; no homozygotes.

Submissions (3):

PreventionGenetics, part of Exact Sciences
Classification: Uncertain significance for BBS2-related condition. Last evaluated: 2025-05-21. Review status: criteria provided, single submitter. Criteria: ACMG Guidelines, 2015. Collection method: clinical testing. Allele origin: germline.
Comment: The BBS2 c.407C>G variant is predicted to result in the amino acid substitution p.Ala136Gly. To our knowledge, this variant has not been reported in the literature. This variant is reported in 0.0062% of alleles in individuals of African descent in gnomAD. At this time, the clinical significance of this variant is uncertain due to the absence of conclusive functional and genetic evidence.

Labcorp Genetics (formerly Invitae), Labcorp
Classification: Uncertain significance for Bardet-Biedl syndrome. Last evaluated: 2022-02-01. Review status: criteria provided, single submitter. Criteria: Invitae Variant Classification Sherloc (09022015). Collection method: clinical testing. Allele origin: germline.
Comment: This sequence change replaces alanine, which is neutral and non-polar, with glycine, which is neutral and non-polar, at codon 136 of the BBS2 protein (p.Ala136Gly). This variant is present in population databases (rs373166163, gnomAD 0.007%). This variant has not been reported in the literature in individuals affected with BBS2-related conditions. Algorithms developed to predict the effect of missense changes on protein structure and function are either unavailable or do not agree on the potential impact of this missense change (SIFT: "Tolerated"; PolyPhen-2: "Possibly Damaging"; Align-GVGD: "Class C0"). In summary, the available evidence is currently insufficient to determine the role of this variant in disease. Therefore, it has been classified as a Variant of Uncertain Significance.

Blueprint Genetics
Classification: Uncertain significance. Last evaluated: 2021-04-19. Review status: criteria provided, single submitter. Criteria: ACMG Guidelines, 2015. Collection method: clinical testing. Allele origin: germline.